The following is an entry in ClinVar:

ClinVar aggregate classification (germline): Uncertain significance (1 of 4 stars; one submission).

Conditions:
Long QT syndrome (LQTS). Identifiers: MedGen C0023976, MeSH D008133, MONDO:0002442. Disease mechanism: loss of function. Inheritance: Various modes of inheritance.

Submission:

Labcorp Genetics (formerly Invitae), Labcorp
Classification: Uncertain significance for Long QT syndrome. Last evaluated: 2023-11-15. Review status: criteria provided, single submitter. Criteria: Invitae Variant Classification Sherloc (09022015). Collection method: clinical testing. Allele origin: germline.
Comment: This sequence change replaces threonine, which is neutral and polar, with alanine, which is neutral and non-polar, at codon 618 of the KCNH2 protein (p.Thr618Ala). This variant is not present in population databases (gnomAD no frequency). This variant has not been reported in the literature in individuals affected with KCNH2-related conditions. An algorithm developed to predict the effect of missense changes on protein structure and function (PolyPhen-2) suggests that this variant is likely to be disruptive. Experimental studies have shown that this missense change affects KCNH2 function (PMID: 23471968, 25063820). In summary, the available evidence is currently insufficient to determine the role of this variant in disease. Therefore, it has been classified as a Variant of Uncertain Significance.

Literature cited by the submitters: PubMed 23471968; PubMed 25063820.

NM_000238.4(KCNH2):c.1852A>G (p.Thr618Ala)

Gene: KCNH2 (potassium voltage-gated channel subfamily H member 2; minus strand). Cytogenetic location: 7q36.1.
Variant type: single nucleotide variant.
Coding change: c.1852A>G on transcript NM_000238.4 (MANE Select); coding-DNA position 1852, A replaced by G.
Protein change: p.Thr618Ala; replaces threonine 618 with alanine.
Molecular consequence: missense variant. On other transcripts: non-coding transcript variant (2).
Genome position (GRCh38, 1-based): chr7:150,951,541, T>C on the plus strand (A>G on the coding strand, the complement: KCNH2 is on the minus strand). VCF-style: chr7-150951541-T-C. GRCh37 (hg19) VCF-style: chr7-150648629-T-C.
Other names: c.832A>G, p.Thr278Ala (NM_001204798.2, NM_172057.3); c.1564A>G, p.Thr522Ala (NM_001406753.1, NM_001406756.1); c.1675A>G, p.Thr559Ala (NM_001406755.1); c.1552A>G, p.Thr518Ala (NM_001406757.1); c.1852A>G, p.Thr618Ala (NM_172056.3); short protein forms T518A, T618A, T522A, T559A, T278A.
Identifiers: ClinVar variation 2696105 (VCV002696105.3), dbSNP rs1584853687, ClinGen allele CA369857952.